The following is an entry in ClinVar:

NM_000384.3(APOB):c.10216G>C (p.Val3406Leu)

Gene: APOB (apolipoprotein B; minus strand). Cytogenetic location: 2p24.1.
Variant type: single nucleotide variant.
Coding change: c.10216G>C on transcript NM_000384.3 (MANE Select); coding-DNA position 10216, G replaced by C.
Protein change: p.Val3406Leu; replaces valine 3406 with leucine.
Molecular consequence: missense variant.
Genome position (GRCh38, 1-based): chr2:21,006,652, C>G on the plus strand (G>C on the coding strand, the complement: APOB is on the minus strand). VCF-style: chr2-21006652-C-G. GRCh37 (hg19) VCF-style: chr2-21229524-C-G.
Other names: short protein forms V3406L.
Identifiers: ClinVar variation 4613659 (VCV004613659.1).
Genomic context (GRCh38, chr2:21,006,652, plus strand): 5'-CCACTGACACTTCCATATTTTTCGTGGTTAAGCTCACAGTACTGTTATGACTACCCTCCA[C>G]AAATTTGTTGCTCAGAGACAGAGCTGTGGCTAACTTCAATCCCCTTTTTCTTGTCAATCT-3'
Protein context (NP_000375.3, residues 3396-3416): ATALSLSNKF[Val3406Leu]EGSHNSTVSL

ClinVar aggregate classification (germline): Uncertain significance (1 of 4 stars; one submission).

Conditions:
Cardiovascular phenotype. Identifiers: MedGen CN230736.

Submission:

Ambry Genetics
Classification: Uncertain significance for Cardiovascular phenotype. Last evaluated: 2025-10-12. Review status: criteria provided, single submitter. Criteria: Ambry Variant Classification Scheme 2023. Collection method: clinical testing. Allele origin: germline.
Comment: The p.V3406L variant (also known as c.10216G>C), located in coding exon 26 of the APOB gene, results from a G to C substitution at nucleotide position 10216. The valine at codon 3406 is replaced by leucine, an amino acid with highly similar properties. This amino acid position is conserved. In addition, this alteration is predicted to be tolerated by in silico analysis. Based on the available evidence, the clinical significance of this variant remains unclear.